The following is an entry in ClinVar:

ClinVar aggregate classification (germline): Uncertain significance. Review status: criteria provided, multiple submitters, no conflicts (2 of 4 stars). 2 submissions from 2 submitters: Uncertain significance (2). Last evaluated 2025-06-19.

Conditions:
Inborn genetic diseases. Identifiers: MedGen C0950123, MeSH D030342.

Allele frequency attached by ClinVar (database versions not stated): TOPMed below 0.00001.

Submissions (2):

Ambry Genetics
Classification: Uncertain significance for Inborn genetic diseases. Last evaluated: 2025-06-19. Review status: criteria provided, single submitter. Criteria: Ambry Variant Classification Scheme 2023. Collection method: clinical testing. Allele origin: germline.

Labcorp Genetics (formerly Invitae), Labcorp
Classification: Uncertain significance. Last evaluated: 2022-08-20. Review status: criteria provided, single submitter. Criteria: Invitae Variant Classification Sherloc (09022015). Collection method: clinical testing. Allele origin: germline.
Comment: In summary, the available evidence is currently insufficient to determine the role of this variant in disease. Therefore, it has been classified as a Variant of Uncertain Significance. Algorithms developed to predict the effect of missense changes on protein structure and function are either unavailable or do not agree on the potential impact of this missense change (SIFT: "Tolerated"; PolyPhen-2: "Possibly Damaging"; Align-GVGD: "Class C0"). This variant has not been reported in the literature in individuals affected with SLC30A10-related conditions. This variant is not present in population databases (gnomAD no frequency). This sequence change replaces valine, which is neutral and non-polar, with leucine, which is neutral and non-polar, at codon 245 of the SLC30A10 protein (p.Val245Leu).

NM_018713.3(SLC30A10):c.733G>T (p.Val245Leu)

Gene: SLC30A10 (solute carrier family 30 member 10; minus strand). Cytogenetic location: 1q41.
Variant type: single nucleotide variant.
Coding change: c.733G>T on transcript NM_018713.3 (MANE Select); coding-DNA position 733, G replaced by T.
Protein change: p.Val245Leu; replaces valine 245 with leucine.
Molecular consequence: missense variant. On other transcripts: non-coding transcript variant (2).
Genome position (GRCh38, 1-based): chr1:219,918,480, C>A on the plus strand (G>T on the coding strand, the complement: SLC30A10 is on the minus strand). VCF-style: chr1-219918480-C-A. GRCh37 (hg19) VCF-style: chr1-220091822-C-A.
Other names: c.544G>T, p.Val182Leu (NM_001376929.1); c.58G>T, p.Val20Leu (NM_001416004.1, NM_001416005.1); c.733G>T (NM_018713.2); short protein forms V182L, V245L, V20L.
Identifiers: ClinVar variation 1951891 (VCV001951891.6), dbSNP rs1360580466, ClinGen allele CA344732979.
Genomic context (GRCh38, chr1:219,918,480, plus strand): 5'-GCACATAGAATATGATGGCCGTGATGACCACAACCACGGACCCCAGGGCATCTCCCATCA[C>A]ATGCAAAAGTACACCTGCCAGGAAGAAAGACTACTGCAGCACAGATGCAAATCTGGAAGC-3'
Protein context (NP_061183.2, residues 235-255): ALNIRGVLLH[Val245Leu]MGDALGSVVV